The following is an entry in ClinVar:

NM_006892.4(DNMT3B):c.320A>G (p.Asn107Ser)

Gene: DNMT3B (DNA methyltransferase 3 beta; plus strand). Cytogenetic location: 20q11.21.
Variant type: single nucleotide variant.
Coding change: c.320A>G on transcript NM_006892.4 (MANE Select); coding-DNA position 320, A replaced by G.
Protein change: p.Asn107Ser; replaces asparagine 107 with serine.
Molecular consequence: missense variant. On other transcripts: intron variant (2).
Genome position (GRCh38, 1-based): chr20:32,786,515, A>G. VCF-style: chr20-32786515-A-G. GRCh37 (hg19) VCF-style: chr20-31374321-A-G.
Other names: c.320A>G, p.Asn107Ser (NM_175848.2, NM_175849.2); c.356A>G, p.Asn119Ser (NM_175850.3); c.307-715A>G (NM_001207055.2); c.205-715A>G (NM_001207056.2); short protein forms N119S, N107S.
Identifiers: ClinVar variation 1464613 (VCV001464613.5), dbSNP rs532377032, ClinGen allele CA313184469.

ClinVar aggregate classification (germline): Uncertain significance (1 of 4 stars; one submission).

Conditions:
Centromeric instability of chromosomes 1,9 and 16 and immunodeficiency (ICF1). Also called: Immunodeficiency-centromeric instability-facial anomalies; CENTROMERIC INSTABILITY, IMMUNODEFICIENCY SYNDROME; IMMUNE DEFICIENCY, VARIABLE, WITH CENTROMERIC INSTABILITY OF CHROMOSOMES 1, 9, AND 16; IMMUNODEFICIENCY SYNDROME, VARIABLE. Identifiers: Orphanet 2268, MedGen C0398788, MONDO:0000133.

Allele frequency attached by ClinVar (database versions not stated): gnomAD 0.00001.
gnomAD v4.1: 15 of 1,613,962 alleles (0.00093%); highest among the groups gnomAD compares: Non-Finnish European, 0.0013%; no homozygotes.

Submission:

Labcorp Genetics (formerly Invitae), Labcorp
Classification: Uncertain significance for Centromeric instability of chromosomes 1,9 and 16 and immunodeficiency. Last evaluated: 2022-02-10. Review status: criteria provided, single submitter. Criteria: Invitae Variant Classification Sherloc (09022015). Collection method: clinical testing. Allele origin: germline.
Comment: This sequence change replaces asparagine, which is neutral and polar, with serine, which is neutral and polar, at codon 107 of the DNMT3B protein (p.Asn107Ser). This variant is not present in population databases (gnomAD no frequency). This variant has not been reported in the literature in individuals affected with DNMT3B-related conditions. Algorithms developed to predict the effect of missense changes on protein structure and function output the following: SIFT: "Tolerated"; PolyPhen-2: "Probably Damaging"; Align-GVGD: "Class C0". The serine amino acid residue is found in multiple mammalian species, which suggests that this missense change does not adversely affect protein function. Algorithms developed to predict the effect of sequence changes on RNA splicing suggest that this variant may create or strengthen a splice site. In summary, the available evidence is currently insufficient to determine the role of this variant in disease. Therefore, it has been classified as a Variant of Uncertain Significance.